The following is an entry in ClinVar:

NM_000112.4(SLC26A2):c.813T>G (p.Tyr271Ter)

Gene: SLC26A2 (solute carrier family 26 member 2; plus strand). Cytogenetic location: 5q32.
Variant type: single nucleotide variant.
Coding change: c.813T>G on transcript NM_000112.4 (MANE Select); coding-DNA position 813, T replaced by G.
Protein change: p.Tyr271Ter; replaces tyrosine 271 with a stop codon.
Molecular consequence: nonsense.
Genome position (GRCh38, 1-based): chr5:149,980,406, T>G. VCF-style: chr5-149980406-T-G. GRCh37 (hg19) VCF-style: chr5-149359969-T-G.
Other names: short protein forms Y271*.
Identifiers: ClinVar variation 4823940 (VCV004823940.1).

ClinVar aggregate classification (germline): Pathogenic (1 of 4 stars; one submission).

Conditions:
Diastrophic dysplasia (DTD). Also called: Diastrophic dwarfism. Identifiers: Orphanet 628, MedGen C0220726, MONDO:0009107, OMIM 222600.

gnomAD v4.1: 1 of 1,614,058 alleles (0.000062%); highest among the groups gnomAD compares: Non-Finnish European, 0.000085%; no homozygotes.

Submission:

Laboratory of Functional Genomics, Research Centre for Medical Genetics
Classification: Pathogenic for Diastrophic dysplasia. Last evaluated: 2025-11-25. Review status: criteria provided, single submitter. Criteria: ACMG Guidelines, 2015. Collection method: clinical testing, in vitro. Allele origin: germline, not applicable. Inheritance: Autosomal recessive inheritance. Affected: yes. Observed: 1 variant allele. Functional consequence: decreased enzyme activity.
Comment: This variant does not present in the gnomAD v4.1.0 database. It leads to a premature stop codon p.(Tyr271Ter), which is likely to cause a loss of protein function. Sulfate uptake assays performed on patient fibroblasts revealed a significant reduction in the transmembrane transporter activity of SLC26A2.